The following is an entry in ClinVar:

NM_000080.4(CHRNE):c.583G>T (p.Asp195Tyr)

Genes: C17orf107 (chromosome 17 open reading frame 107; plus strand), CHRNE (cholinergic receptor nicotinic epsilon subunit; minus strand). Cytogenetic location: 17p13.2.
Variant type: single nucleotide variant.
Coding change: c.583G>T on transcript NM_000080.4 (MANE Select); coding-DNA position 583, G replaced by T.
Protein change: p.Asp195Tyr; replaces aspartic acid 195 with tyrosine.
Molecular consequence: missense variant. On other transcripts: 3 prime UTR variant (1).
Genome position (GRCh38, 1-based): chr17:4,901,543, C>A on the plus strand (G>T on the coding strand, the complement: CHRNE is on the minus strand). VCF-style: chr17-4901543-C-A. GRCh37 (hg19) VCF-style: chr17-4804838-C-A.
Other names: c.*1010C>A (NM_001145536.2); short protein forms D195Y.
Identifiers: ClinVar variation 1482711 (VCV001482711.7), dbSNP rs774425374, ClinGen allele CA397305810.
Genomic context (GRCh38, chr17:4,901,543, plus strand): 5'-CCCGTCTAGAAGCGGGTTTTTCTGAGCAGGCAGGGGCTTCACCAGTATAGGCCTCTGTGT[C>A]GATGTCGATCTTGTTGATGGTCTTGCCGTCGTTGTCTACGGCAAAAGTGAACTCCACCTC-3'
Protein context (NP_000071.1, residues 185-205): DGKTINKIDI[Asp195Tyr]TEAYTENGEW

ClinVar aggregate classification (germline): Conflicting classifications of pathogenicity. Review status: criteria provided, conflicting classifications (1 of 4 stars). 2 submissions from 2 submitters: Likely pathogenic (1); Uncertain significance (1). Last evaluated 2021-05-26.

Conditions:
Congenital myasthenic syndrome 4B. Also called: Myasthenic syndrome, congenital, 4b, fast-channel. Identifiers: Orphanet 590, MedGen C4225369, MONDO:0014586, OMIM 616324.
Congenital myasthenic syndrome 4A. Also called: CONGENITAL MYASTHENIC SYNDROME TYPE Ia1; Myasthenic syndrome, congenital, 4a, slow-channel; MYASTHENIC SYNDROME, CONGENITAL, 4A, SLOW-CHANNEL, AUTOSOMAL RECESSIVE. Identifiers: Orphanet 590, MedGen C4225413, MONDO:0011600, OMIM 605809.

Submissions (2):

Labcorp Genetics (formerly Invitae), Labcorp
Classification: Likely pathogenic for Congenital myasthenic syndrome 4A. Last evaluated: 2021-05-26. Review status: criteria provided, single submitter. Criteria: Invitae Variant Classification Sherloc (09022015). Collection method: clinical testing. Allele origin: germline.
Comment: In summary, the currently available evidence indicates that the variant is pathogenic, but additional data are needed to prove that conclusively. Therefore, this variant has been classified as Likely Pathogenic. This variant disrupts the p.Asp195 amino acid residue in CHRNE. Other variant(s) that disrupt this residue have been determined to be pathogenic (PMID: 12356851). This suggests that this residue is clinically significant, and that variants that disrupt this residue are likely to be disease-causing. Advanced modeling of protein sequence and biophysical properties (such as structural, functional, and spatial information, amino acid conservation, physicochemical variation, residue mobility, and thermodynamic stability) performed at Invitae indicates that this missense variant is expected to disrupt CHRNE protein function. This variant has not been reported in the literature in individuals with CHRNE-related conditions. This variant is not present in population databases (ExAC no frequency). This sequence change replaces aspartic acid with tyrosine at codon 195 of the CHRNE protein (p.Asp195Tyr). The aspartic acid residue is highly conserved and there is a large physicochemical difference between aspartic acid and tyrosine.

Neuberg Centre For Genomic Medicine, NCGM
Classification: Uncertain significance for Congenital myasthenic syndrome 4B. Review status: criteria provided, single submitter. Criteria: ACMG Guidelines, 2015. Collection method: clinical testing. Allele origin: germline. Inheritance: Autosomal recessive inheritance. Affected: yes.
Comment: The missense variant p.D195Y in CHRNE (NM_000080.4) has not been reported previously as a pathogenic variant nor as a benign variant, to our knowledge. The p.D195Y variant is novel (not in any individuals) in gnomAD Exomes and is novel (not in any individuals) in 1000 Genomes. There is a large physicochemical difference between aspartic acid and tyrosine, which is likely to impact secondary protein structure as these residues differ in polarity, charge, size and/or other properties. The p.D195Y missense variant is predicted to be damaging by both SIFT and PolyPhen2. The aspartic acid residue at codon 195 of CHRNE is conserved in all mammalian species. The nucleotide c.583 in CHRNE is predicted conserved by GERP++ and PhyloP across 100 vertebrates. For these reasons, this variant has been classified as Uncertain Significance.

Literature cited by the submitters: PubMed 12356851 (cited by Labcorp Genetics (formerly Invitae), Labcorp).